The following is an entry in ClinVar:

NM_007294.4(BRCA1):c.202A>G (p.Ile68Val)

Gene: BRCA1 (BRCA1 DNA repair associated; minus strand). Cytogenetic location: 17q21.31.
Variant type: single nucleotide variant.
Coding change: c.202A>G on transcript NM_007294.4 (MANE Select); coding-DNA position 202, A replaced by G.
Protein change: p.Ile68Val; replaces isoleucine 68 with valine.
Molecular consequence: missense variant.
Genome position (GRCh38, 1-based): chr17:43,106,466, T>C on the plus strand (A>G on the coding strand, the complement: BRCA1 is on the minus strand). VCF-style: chr17-43106466-T-C. GRCh37 (hg19) VCF-style: chr17-41258483-T-C.
Other names: c.202A>G, p.Ile68Val (NM_001407581.1, NM_001407582.1, NM_001407583.1 and 168 more transcripts); c.61A>G, p.Ile21Val (NM_001407692.1, NM_001407694.1, NM_001407695.1 and 99 more transcripts); short protein forms I68V, I21V.
Identifiers: ClinVar variation 479193 (VCV000479193.22), dbSNP rs1555597195, ClinGen allele CA10601763.

ClinVar aggregate classification (germline): Conflicting classifications of pathogenicity. Review status: criteria provided, conflicting classifications (1 of 4 stars). 5 submissions from 5 submitters: Uncertain significance (2); Likely benign (3). Last evaluated 2026-05-07.

Conditions:
Hereditary cancer-predisposing syndrome. Also called: Tumor predisposition; Hereditary Cancer Syndrome; Hereditary neoplastic syndrome; Neoplastic Syndromes, Hereditary. Identifiers: Orphanet 140162, MedGen C0027672, MeSH D009386, MONDO:0015356.
Hereditary breast ovarian cancer syndrome. Also called: Breast and ovarian cancer; Hereditary breast and/or ovarian cancer syndrome; BRCA1- and BRCA2-Associated Hereditary Breast and Ovarian Cancer; Hereditary breast and ovarian cancer syndrome; Hereditary breast and ovarian cancer syndrome (HBOC); Hereditary breast and ovarian cancer. Identifiers: Orphanet 145, MedGen C0677776, MeSH D061325, MONDO:0003582. Disease mechanism: loss of function.
Breast-ovarian cancer, familial, susceptibility to, 1 (BROVCA1). Also called: BRCA1 Hereditary Breast and Ovarian Cancer; OVARIAN CANCER, SUSCEPTIBILITY TO. Identifiers: Orphanet 145, MedGen C2676676, MONDO:0011450, OMIM 604370. Disease mechanism: loss of function.
BRCA1-related cancer predisposition. Identifiers: MedGen CN377757, MONDO:0700268.

Allele frequency attached by ClinVar (database versions not stated): gnomAD exomes below 0.00001.
gnomAD v4.1: 4 of 1,595,202 alleles (0.00025%); highest among the groups gnomAD compares: Non-Finnish European, 0.00034%; no homozygotes.

Submissions (6):

Myriad Genetics, Inc.
Classification: Likely benign for Breast-ovarian cancer, familial, susceptibility to, 1. Last evaluated: 2026-05-07. Review status: criteria provided, single submitter. Criteria: Myriad Autosomal Dominant, Autosomal Recessive and X-Linked Classification Criteria (2023). Collection method: clinical testing. Allele origin: unknown.
Comment: This variant is considered likely benign. This variant is strongly associated with less severe personal and family histories of cancer, typical for individuals without pathogenic variants in this gene [PMID: 25085752].

Ambry Genetics
Classification: Likely benign for Hereditary cancer-predisposing syndrome. Last evaluated: 2024-07-31. Review status: criteria provided, single submitter. Criteria: Ambry Variant Classification Scheme 2023. Collection method: clinical testing. Allele origin: germline.

All of Us Research Program, National Institutes of Health
Classification: Uncertain significance for BRCA1-related cancer predisposition. Last evaluated: 2024-07-20. Review status: criteria provided, single submitter. Criteria: ACMG Guidelines, 2015. Collection method: clinical testing. Allele origin: germline. Inheritance: Autosomal dominant inheritance. Observed: 1 variant allele, 1 heterozygote.
Comment: This missense variant replaces isoleucine with valine at codon 68 of the BRCA1 protein. Computational prediction is inconclusive regarding the impact of this variant on protein structure and function. Functional studies have reported that this variant does not impact BRCA1 function in haploid cell proliferation, BARD1 binding and ubiquitin E3 ligase assays (PMID: 25823446, 30209399. 35659930). To our knowledge, this variant has not been reported in individuals affected with hereditary cancer in the literature. This variant has not been identified in the general population by the Genome Aggregation Database (gnomAD). The available evidence is insufficient to determine the role of this variant in disease conclusively. Therefore, this variant is classified as a Variant of Uncertain Significance.

This study involves interpretation of variants in research participants for the purpose of population health screening. Participant phenotype was not available at the time of variant classification. Additional details can be found in publication PMID: 35346344, PMCID: PMC8962531

Lupski Lab, Baylor-Hopkins CMG, Baylor College of Medicine
Classification: Likely benign for Breast-ovarian cancer, familial, susceptibility to, 1. Last evaluated: 2024-04-12. Review status: criteria provided, single submitter. Criteria: Dawood et al. (medRxiv. 2024). Collection method: curation. Allele origin: germline.
Comment: Each variant was annotated with functional scores from MAVE data which was translated into functional evidence codes. All other evidence codes and combining criteria were adhered to as closely as possible based on the ClinGen VCEP (Variant Curation Expert Panel) gene-specific recommendations. See Supplemental Figure 34 of final paper (Supp Fig. 28 in preprint: doi:10.1101/2024.04.11.24305690) for a table to see which lines of evidence we did not have data for. The ClinGen VCEPs are highly regarded as the gold-standard for gene-specific variant curation and are developed after extensive evaluation of the evidence by clinical and scientific experts for the particular gene to classify genomic variants on a spectrum from pathogenic to benign using the 2015 ACMG/AMP Variant Interpretation Guidelines as a backbone (PMID: 25741868). Reclassification of these VUS variants from gnomAD or All of Us focused only on variants originally prescribed as VUS in ClinVar. To ensure reproducibility, transparency, and increased throughput, all the procedures for annotating variants and assigning evidence codes were codified using Python. All code has been made freely available and is linked in the Code Availability section and all reclassified variants with evidence codes used can be found in Tables S18-19 (preprint: doi:10.1101/2024.04.11.24305690). For the MAVE data, the clinical curation and clinical strength assignment as per the ClinGen recommendations in Brnich et al. (2020) (PMID: 31892348) for or against pathogenicity or benignity of each of these MAVE datasets utilized in this study were previously published in Fayer et al. (2021) (PMID: 34793697).In brief, for BRCA1 variants, if a variant was categorized as FUNC (functional), it was assigned BS3 evidence and no PS3 evidence, whereas if it was categorized as LOF (loss of function), the variant was assigned PS3 evidence and no BS3 evidence. Variants categorized as INT (intermediate) were left unannotated. For the BRCA1 combining criteria, greater than or equal to 1 criteria of strong benign evidence was enough to reclassify the VUS as Likely Benign. This variant GRCh38:17:43106466:T>C was assigned evidence codes ['BS3', 'BP4'] and an overall classification of Likely benign

Labcorp Genetics (formerly Invitae), Labcorp
Classification: Uncertain significance for Hereditary breast ovarian cancer syndrome. Last evaluated: 2023-01-02. Review status: criteria provided, single submitter. Criteria: Invitae Variant Classification Sherloc (09022015). Collection method: clinical testing. Allele origin: germline.
Comment: Advanced modeling performed at Invitae incorporating data from internal and/or published experimental studies (PMID: 30209399) indicates that this missense variant is not expected to disrupt BRCA1 function. This sequence change replaces isoleucine, which is neutral and non-polar, with valine, which is neutral and non-polar, at codon 68 of the BRCA1 protein (p.Ile68Val). This variant is not present in population databases (gnomAD no frequency). This variant has not been reported in the literature in individuals affected with BRCA1-related conditions. ClinVar contains an entry for this variant (Variation ID: 479193). Experimental studies have shown that this missense change does not substantially affect BRCA1 function (PMID: 30209399). In summary, the available evidence is currently insufficient to determine the role of this variant in disease. Therefore, it has been classified as a Variant of Uncertain Significance.

Brotman Baty Institute, University of Washington
No classification provided (evidence only). Condition: Breast-ovarian cancer, familial 1. Review status: no classification provided. Collection method: in vitro. Allele origin: not applicable. Functional consequence: functionally_normal. Not counted in ClinVar's aggregate classification.
ClinVar note: "not provided" was previously submitted as the classification for the variant. However, the classification appeared to be based only on an observation of functional data so it was converted to no classification on 2025-07-30.

Literature cited by the submitters: PubMed 25085752 (cited by Myriad Genetics, Inc.); PubMed 30209399 (cited by 3 submitters); PubMed 25823446 (cited by All of Us Research Program, National Institutes of Health); PubMed 39142283 (cited by Lupski Lab, Baylor-Hopkins CMG, Baylor College of Medicine); PubMed 34793697 (cited by Lupski Lab, Baylor-Hopkins CMG, Baylor College of Medicine); DOI 10.1101/2024.04.11.24305690 (cited by Lupski Lab, Baylor-Hopkins CMG, Baylor College of Medicine).